The following is an entry in ClinVar:

ClinVar aggregate classification (germline): Conflicting classifications of pathogenicity. Review status: criteria provided, conflicting classifications (1 of 4 stars). 2 submissions from 2 submitters: Uncertain significance (1); Likely benign (1). Last evaluated 2025-08-13.

Conditions:
Inborn genetic diseases. Identifiers: MedGen C0950123, MeSH D030342.
PKD1L1-related disorder. Also called: PKD1L1-related condition.

Allele frequency attached by ClinVar (database versions not stated): ExAC 0.00013; 1000 Genomes Project 30x 0.00016; 1000 Genomes Project 0.00020; gnomAD 0.00028; TOPMed 0.00034; ESP Exome Variant Server 0.00038.
gnomAD v4.1: 111 of 1,612,644 alleles (0.0069%); highest among the groups gnomAD compares: African/African-American, 0.11%; no homozygotes.

Submissions (2):

PreventionGenetics, part of Exact Sciences
Classification: Uncertain significance for PKD1L1-related condition. Last evaluated: 2025-08-13. Review status: criteria provided, single submitter. Criteria: ACMG Guidelines, 2015. Collection method: clinical testing. Allele origin: germline.
Comment: The PKD1L1 c.167A>G variant is predicted to result in the amino acid substitution p.Tyr56Cys. To our knowledge, this variant has not been reported in the literature. This variant is reported in 0.14% of alleles in individuals of African descent in gnomAD. Although we suspect that this variant may be benign, at this time, the clinical significance of this variant is uncertain due to the absence of conclusive functional and genetic evidence.

Ambry Genetics
Classification: Likely benign for Inborn genetic diseases. Last evaluated: 2022-04-06. Review status: criteria provided, single submitter. Criteria: Ambry Variant Classification Scheme 2023. Collection method: clinical testing. Allele origin: germline.

NM_138295.5(PKD1L1):c.167A>G (p.Tyr56Cys)

Gene: PKD1L1 (polycystin 1 like 1, transient receptor potential channel interacting; minus strand). Cytogenetic location: 7p12.3.
Variant type: single nucleotide variant.
Coding change: c.167A>G on transcript NM_138295.5 (MANE Select); coding-DNA position 167, A replaced by G.
Protein change: p.Tyr56Cys; replaces tyrosine 56 with cysteine.
Molecular consequence: missense variant.
Genome position (GRCh38, 1-based): chr7:47,940,311, T>C on the plus strand (A>G on the coding strand, the complement: PKD1L1 is on the minus strand). VCF-style: chr7-47940311-T-C. GRCh37 (hg19) VCF-style: chr7-47979908-T-C.
Other names: short protein forms Y56C.
Identifiers: ClinVar variation 3213539 (VCV003213539.2), dbSNP rs138951762, ClinGen allele CA4254440.